The following is an entry in ClinVar:

NM_002506.3(NGF):c.32C>T (p.Ala11Val)

Genes: NGF (nerve growth factor; minus strand), NGF-AS1 (NGF antisense RNA 1; plus strand). Cytogenetic location: 1p13.2.
Variant type: single nucleotide variant.
Coding change: c.32C>T on transcript NM_002506.3 (MANE Select); coding-DNA position 32, C replaced by T.
Protein change: p.Ala11Val; replaces alanine 11 with valine.
Molecular consequence: missense variant.
Genome position (GRCh38, 1-based): chr1:115,286,764, G>A on the plus strand (C>T on the coding strand, the complement: NGF is on the minus strand). VCF-style: chr1-115286764-G-A. GRCh37 (hg19) VCF-style: chr1-115829385-G-A.
Other names: short protein forms A11V.
Identifiers: ClinVar variation 1972991 (VCV001972991.5), dbSNP rs1401808499, ClinGen allele CA341837381.

ClinVar aggregate classification (germline): Uncertain significance (1 of 4 stars; one submission).

Conditions:
Congenital sensory neuropathy with selective loss of small myelinated fibers (HSAN5). Also called: HSAN Type V. Identifiers: Orphanet 64752, MedGen C0020075, MONDO:0012092, OMIM 608654.

gnomAD v4.1: 1 of 1,614,186 alleles (0.000062%); highest among the groups gnomAD compares: Non-Finnish European, 0.000085%; no homozygotes.

Submission:

Labcorp Genetics (formerly Invitae), Labcorp
Classification: Uncertain significance for Congenital sensory neuropathy with selective loss of small myelinated fibers. Last evaluated: 2022-04-20. Review status: criteria provided, single submitter. Criteria: Invitae Variant Classification Sherloc (09022015). Collection method: clinical testing. Allele origin: germline.
Comment: This sequence change replaces alanine, which is neutral and non-polar, with valine, which is neutral and non-polar, at codon 11 of the NGF protein (p.Ala11Val). This variant is not present in population databases (gnomAD no frequency). In summary, the available evidence is currently insufficient to determine the role of this variant in disease. Therefore, it has been classified as a Variant of Uncertain Significance. Algorithms developed to predict the effect of missense changes on protein structure and function output the following: SIFT: "Tolerated"; PolyPhen-2: "Benign"; Align-GVGD: "Class C0". The valine amino acid residue is found in multiple mammalian species, which suggests that this missense change does not adversely affect protein function. This variant has not been reported in the literature in individuals affected with NGF-related conditions.